The following is an entry in ClinVar:

NM_000059.4(BRCA2):c.748G>A (p.Val250Met)

Gene: BRCA2 (BRCA2 DNA repair associated; plus strand). Cytogenetic location: 13q13.1.
Variant type: single nucleotide variant.
Coding change: c.748G>A on transcript NM_000059.4 (MANE Select); coding-DNA position 748, G replaced by A.
Protein change: p.Val250Met; replaces valine 250 with methionine.
Molecular consequence: missense variant.
Genome position (GRCh38, 1-based): chr13:32,330,985, G>A. VCF-style: chr13-32330985-G-A. GRCh37 (hg19) VCF-style: chr13-32905122-G-A.
Other names: short protein forms V250M.
Identifiers: ClinVar variation 641481 (VCV000641481.17), dbSNP rs1593890284, ClinGen allele CA387760086.

ClinVar aggregate classification (germline): Conflicting classifications of pathogenicity. Review status: criteria provided, conflicting classifications (1 of 4 stars). 5 submissions from 5 submitters: Uncertain significance (4); Likely benign (1). Last evaluated 2025-10-27.

Conditions:
Hereditary breast ovarian cancer syndrome. Also called: Hereditary breast and ovarian cancer; Hereditary breast and ovarian cancer syndrome; Hereditary breast and ovarian cancer syndrome (HBOC); Hereditary breast and/or ovarian cancer syndrome; Breast and ovarian cancer; BRCA1- and BRCA2-Associated Hereditary Breast and Ovarian Cancer. Identifiers: Orphanet 145, MedGen C0677776, MeSH D061325, MONDO:0003582. Disease mechanism: loss of function.
Hereditary cancer-predisposing syndrome. Also called: Neoplastic Syndromes, Hereditary; Tumor predisposition; Hereditary neoplastic syndrome; Hereditary Cancer Syndrome. Identifiers: Orphanet 140162, MedGen C0027672, MeSH D009386, MONDO:0015356.
Familial cancer of breast. Also called: hereditary breast carcinoma; BREAST CANCER, FAMILIAL; Hereditary breast cancer. Identifiers: Orphanet 227535, MedGen C0346153, MONDO:0016419, OMIM 114480. Disease mechanism: loss of function.

Submissions (5):

Labcorp Genetics (formerly Invitae), Labcorp
Classification: Uncertain significance for Hereditary breast ovarian cancer syndrome. Last evaluated: 2025-10-27. Review status: criteria provided, single submitter. Criteria: Invitae Variant Classification Sherloc (09022015). Collection method: clinical testing. Allele origin: germline.
Comment: This sequence change replaces valine, which is neutral and non-polar, with methionine, which is neutral and non-polar, at codon 250 of the BRCA2 protein (p.Val250Met). This variant is not present in population databases (gnomAD no frequency). This variant has not been reported in the literature in individuals affected with BRCA2-related conditions. ClinVar contains an entry for this variant (Variation ID: 641481). Invitae Evidence Modeling of protein sequence and biophysical properties (such as structural, functional, and spatial information, amino acid conservation, physicochemical variation, residue mobility, and thermodynamic stability) indicates that this missense variant is not expected to disrupt BRCA2 protein function with a negative predictive value of 95%. In summary, the available evidence is currently insufficient to determine the role of this variant in disease. Therefore, it has been classified as a Variant of Uncertain Significance.

Baylor Genetics
Classification: Uncertain significance for Familial cancer of breast. Last evaluated: 2023-12-28. Review status: criteria provided, single submitter. Criteria: ACMG Guidelines, 2015. Collection method: clinical testing. Allele origin: unknown.

Ambry Genetics
Classification: Likely benign for Hereditary cancer-predisposing syndrome. Last evaluated: 2023-12-08. Review status: criteria provided, single submitter. Criteria: Ambry Variant Classification Scheme 2023. Collection method: clinical testing. Allele origin: germline.

Quest Diagnostics Nichols Institute San Juan Capistrano
Classification: Uncertain significance. Last evaluated: 2023-11-24. Review status: criteria provided, single submitter. Criteria: Quest Diagnostics criteria. Collection method: clinical testing. Allele origin: unknown.
Comment: The BRCA2 c.748G>A (p.Val250Met) variant, to the best of our knowledge, has not been reported in individuals with BRCA2-related conditions. It has been observed in unaffected control individuals in several studies (PMIDs: 36243179 (2022), 31214711 (2020), 30287823 (2018)). This variant has not been reported in large, multi-ethnic general populations (Genome Aggregation Database). Analysis of this variant using bioinformatics tools for the prediction of the effect of amino acid changes on protein structure and function yielded conflicting predictions that this variant is benign or damaging. Based on the available information, we are unable to determine the clinical significance of this variant.

Color Diagnostics, LLC DBA Color Health
Classification: Uncertain significance for Hereditary cancer-predisposing syndrome. Last evaluated: 2020-01-17. Review status: criteria provided, single submitter. Criteria: ACMG Guidelines, 2015. Collection method: clinical testing. Allele origin: germline.
Comment: This missense variant replaces valine with methionine at codon 250 of the BRCA2 protein. Computational prediction tool suggests that this variant may not impact protein structure and function (internally defined REVEL score threshold ≤0.5, PMID: 27666373). Splice site prediction tools suggest that this variant may not impact RNA splicing. To our knowledge, functional studies have not been performed for this variant. This variant has not been reported in individuals affected with hereditary cancer in the literature. This variant has not been identified in the general population by the Genome Aggregation Database (gnomAD). The available evidence is insufficient to determine the role of this variant in disease conclusively. Therefore, this variant is classified as a Variant of Uncertain Significance.

Literature cited by the submitters: PubMed 30287823 (cited by Ambry Genetics and Quest Diagnostics Nichols Institute San Juan Capistrano); PubMed 31911673 (cited by Quest Diagnostics Nichols Institute San Juan Capistrano); PubMed 31214711 (cited by Quest Diagnostics Nichols Institute San Juan Capistrano); PubMed 36243179 (cited by Quest Diagnostics Nichols Institute San Juan Capistrano).